The following is an entry in ClinVar:

NM_000037.4(ANK1):c.3016_3022dup (p.Val1008fs)

Gene: ANK1 (ankyrin 1; minus strand). Cytogenetic location: 8p11.21.
Variant type: Duplication.
Coding change: c.3016_3022dup on transcript NM_000037.4 (MANE Select); coding-DNA positions 3016 to 3022, 7 bases duplicated (CTCGTGG; older notation c.3016_3022dupCTCGTGG).
Protein change: p.Val1008fs; shifts the reading frame from valine 1008.
Molecular consequence: frameshift variant.
Genome position (GRCh38, 1-based): chr8:41,695,270-41,695,276, CCACGAG duplicated on the plus strand (CTCGTGG on the coding strand, the reverse complement: ANK1 is on the minus strand); duplicating any 7 consecutive bases within chr8:41,695,270-41,695,277 gives the same sequence; the c. name uses the placement nearest the transcript's 3' end. VCF-style (leftmost placement, unchanged base first): chr8-41695269-A-ACCACGAG. GRCh37 (hg19) VCF-style: chr8-41552787-A-ACCACGAG.
Other names: c.3139_3145dup, p.Val1049fs (NM_001142446.2); c.3016_3022dup, p.Val1008fs (NM_020475.3, NM_020476.3, NM_020477.3); short protein forms V1049fs, V1008fs.
Identifiers: ClinVar variation 1435388 (VCV001435388.6), dbSNP rs2150594539, ClinGen allele CA2573143159.

ClinVar aggregate classification (germline): Pathogenic (1 of 4 stars; one submission).

Submission:

Labcorp Genetics (formerly Invitae), Labcorp
Classification: Pathogenic. Last evaluated: 2020-11-30. Review status: criteria provided, single submitter. Criteria: Invitae Variant Classification Sherloc (09022015). Collection method: clinical testing. Allele origin: germline.
Comment: This variant is not present in population databases (ExAC no frequency). This sequence change creates a premature translational stop signal (p.Val1008Alafs*111) in the ANK1 gene. It is expected to result in an absent or disrupted protein product. Loss-of-function variants in ANK1 are known to be pathogenic (PMID: 8640229). This variant has not been reported in the literature in individuals with ANK1-related conditions. For these reasons, this variant has been classified as Pathogenic.

Literature cited by the submitters: PubMed 8640229.